The following is an entry in ClinVar:

ClinVar aggregate classification (germline): Uncertain significance (1 of 4 stars; one submission).

Conditions:
Inborn genetic diseases. Identifiers: MedGen C0950123, MeSH D030342.

gnomAD v4.1: 43 of 1,607,142 alleles (0.0027%); highest among the groups gnomAD compares: Non-Finnish European, 0.0037%; no homozygotes.

Submission:

Ambry Genetics
Classification: Uncertain significance for Inborn genetic diseases. Last evaluated: 2025-11-05. Review status: criteria provided, single submitter. Criteria: Ambry Variant Classification Scheme 2023. Collection method: clinical testing. Allele origin: germline.
Comment: The c.2405C>T (p.T802I) alteration is located in exon 16 (coding exon 16) of the MED12L gene. This alteration results from a C to T substitution at nucleotide position 2405, causing the threonine (T) at amino acid position 802 to be replaced by an isoleucine (I). Based on data from gnomAD, the T allele has an overall frequency of <0.001% (1/249550) total alleles studied. The highest observed frequency was 0.001% (1/113186) of European (non-Finnish) alleles. Based on insufficient or conflicting evidence, the clinical significance of this alteration remains unclear.

NM_001393769.1(MED12L):c.2510C>T (p.Thr837Ile)

Genes: MED12L (mediator complex subunit 12L; plus strand), P2RY12 (purinergic receptor P2Y12; minus strand). Cytogenetic location: 3q25.1.
Variant type: single nucleotide variant.
Coding change: c.2510C>T on transcript NM_001393769.1 (MANE Select); coding-DNA position 2510, C replaced by T.
Protein change: p.Thr837Ile; replaces threonine 837 with isoleucine.
Molecular consequence: missense variant. On other transcripts: intron variant (1).
Genome position (GRCh38, 1-based): chr3:151,355,232, C>T. VCF-style: chr3-151355232-C-T. GRCh37 (hg19) VCF-style: chr3-151073020-C-T.
Other names: c.2405C>T, p.Thr802Ile (NM_053002.6); c.-179-14472G>A (NM_022788.5); short protein forms T837I, T802I.
Identifiers: ClinVar variation 4624777 (VCV004624777.1).